The following is an entry in ClinVar:

ClinVar aggregate classification (germline): Uncertain significance. Review status: criteria provided, multiple submitters, no conflicts (2 of 4 stars). 3 submissions from 3 submitters: Uncertain significance (3). Last evaluated 2024-08-05.

Conditions:
Nephronophthisis. Also called: Juvenile Nephronophthisis. Identifiers: Orphanet 655, MedGen C0687120, MONDO:0019005, HP:0000090.

Allele frequency attached by ClinVar (database versions not stated): ExAC 0.00002; 1000 Genomes Project 30x 0.00016; gnomAD exomes 0.00001; gnomAD 0.00003; TOPMed 0.00001; 1000 Genomes Project 0.00020.
gnomAD v4.1: 25 of 1,612,096 alleles (0.0016%); highest among the groups gnomAD compares: Admixed American, 0.03%; no homozygotes.

Submissions (3):

Mayo Clinic Laboratories, Mayo Clinic
Classification: Uncertain significance. Last evaluated: 2024-08-05. Review status: criteria provided, single submitter. Criteria: ACMG Guidelines, 2015. Collection method: clinical testing. Allele origin: germline. Observed: 1 variant allele.
Comment: PP3, PM2

Labcorp Genetics (formerly Invitae), Labcorp
Classification: Uncertain significance for Nephronophthisis. Last evaluated: 2022-08-16. Review status: criteria provided, single submitter. Criteria: Invitae Variant Classification Sherloc (09022015). Collection method: clinical testing. Allele origin: germline.
Comment: This sequence change falls in intron 22 of the NPHP4 gene. It does not directly change the encoded amino acid sequence of the NPHP4 protein. This variant is present in population databases (rs191631053, gnomAD 0.003%). This variant has not been reported in the literature in individuals affected with NPHP4-related conditions. ClinVar contains an entry for this variant (Variation ID: 1427421). Algorithms developed to predict the effect of sequence changes on RNA splicing suggest that this variant may disrupt the consensus splice site. In summary, the available evidence is currently insufficient to determine the role of this variant in disease. Therefore, it has been classified as a Variant of Uncertain Significance.

AiLife Diagnostics
Classification: Uncertain significance. Last evaluated: 2020-07-24. Review status: criteria provided, single submitter. Criteria: ACMG Guidelines, 2015. Collection method: clinical testing. Allele origin: germline. Affected: yes. Observed: 2 variant alleles.

NM_015102.5(NPHP4):c.3232-11G>A

Gene: NPHP4 (nephrocystin 4; minus strand). Cytogenetic location: 1p36.31.
Variant type: single nucleotide variant.
Coding change: c.3232-11G>A on transcript NM_015102.5 (MANE Select); 11 bases into the intron before coding-DNA position 3232, G replaced by A.
Molecular consequence: intron variant.
Genome position (GRCh38, 1-based): chr1:5,873,346, C>T on the plus strand (G>A on the coding strand, the complement: NPHP4 is on the minus strand). VCF-style: chr1-5873346-C-T. GRCh37 (hg19) VCF-style: chr1-5933406-C-T.
Other names: p.?; c.1696-11G>A (NM_001291594.2); c.1693-11G>A (NM_001291593.2).
Identifiers: ClinVar variation 1427421 (VCV001427421.5), dbSNP rs191631053, ClinGen allele CA553733.